The following is an entry in ClinVar:

ClinVar aggregate classification (germline): Uncertain significance (1 of 4 stars; one submission).

gnomAD v4.1: 1 of 1,550,872 alleles (0.000064%); highest among the groups gnomAD compares: Non-Finnish European, 0.000087%; no homozygotes.

Submission:

GeneDx
Classification: Uncertain significance. Last evaluated: 2025-03-11. Review status: criteria provided, single submitter. Criteria: GeneDx Variant Classification Process June 2021. Collection method: clinical testing. Allele origin: germline. Affected: yes.
Comment: Not observed at significant frequency in large population cohorts (gnomAD); In silico analysis indicates that this missense variant does not alter protein structure/function; Has not been previously published as pathogenic or benign to our knowledge

NM_001159673.2(SYNCRIP):c.1369G>C (p.Glu457Gln)

Gene: SYNCRIP (synaptotagmin binding cytoplasmic RNA interacting protein; minus strand). Cytogenetic location: 6q14.3.
Variant type: single nucleotide variant.
Coding change: c.1369G>C on transcript NM_001159673.2; coding-DNA position 1369, G replaced by C.
Protein change: p.Glu457Gln; replaces glutamic acid 457 with glutamine.
Molecular consequence: missense variant.
Genome position (GRCh38, 1-based): chr6:85,612,908, C>G on the plus strand (G>C on the coding strand, the complement: SYNCRIP is on the minus strand). VCF-style: chr6-85612908-C-G. GRCh37 (hg19) VCF-style: chr6-86322626-C-G.
Other names: c.1558G>C, p.Glu520Gln (NM_001159674.2); c.1660G>C, p.Glu554Gln (NM_001159676.2, NM_001439160.1); c.1663G>C, p.Glu555Gln (NM_001159677.2); c.1207G>C, p.Glu403Gln (NM_001253771.2); c.1805G>C, p.Arg602Pro (NM_001439158.1); c.1508G>C, p.Arg503Pro (NM_001439159.1); c.1802G>C, p.Arg601Pro (NM_001439161.1, NM_001439162.1); short protein forms E403Q, E457Q, E520Q, E554Q, E555Q, R503P, R601P, R602P.
Identifiers: ClinVar variation 4083125 (VCV004083125.1).